The following is an entry in ClinVar:

NM_000444.6(PHEX):c.350-1G>T

Gene: PHEX (phosphate regulating endopeptidase X-linked; plus strand). Cytogenetic location: Xp22.11.
Variant type: single nucleotide variant.
Coding change: c.350-1G>T on transcript NM_000444.6 (MANE Select); the canonical splice acceptor site of the intron before coding-DNA position 350, G replaced by T.
Molecular consequence: splice acceptor variant.
Genome position (GRCh38, 1-based): chrX:22,076,387, G>T. VCF-style: chrX-22076387-G-T. GRCh37 (hg19) VCF-style: chrX-22094505-G-T.
Other names: c.350-1G>T (NM_001282754.2).
Identifiers: ClinVar variation 4710655 (VCV004710655.1).

ClinVar aggregate classification (germline): Pathogenic (1 of 4 stars; one submission).

Submission:

Labcorp Genetics (formerly Invitae), Labcorp
Classification: Pathogenic. Last evaluated: 2025-04-03. Review status: criteria provided, single submitter. Criteria: Invitae Variant Classification Sherloc (09022015). Collection method: clinical testing. Allele origin: germline.
Comment: This sequence change affects an acceptor splice site in intron 3 of the PHEX gene. It is expected to disrupt RNA splicing. Variants that disrupt the donor or acceptor splice site typically lead to a loss of protein function (PMID: 16199547), and loss-of-function variants in PHEX are known to be pathogenic (PMID: 9097956, 9106524, 19219621). This variant is not present in population databases (gnomAD no frequency). Disruption of this splice site has been observed in individual(s) with hypophosphatemic rickets (PMID: 19219621). Algorithms developed to predict the effect of sequence changes on RNA splicing suggest that this variant may disrupt the consensus splice site. For these reasons, this variant has been classified as Pathogenic.

Literature cited by the submitters: PubMed 16199547; PubMed 9097956; PubMed 9106524; PubMed 19219621.